The following is an entry in ClinVar:

NM_002109.6(HARS1):c.14C>A (p.Ala5Glu)

Genes: HARS1 (histidyl-tRNA synthetase 1; minus strand), LOC129994848 (ATAC-STARR-seq lymphoblastoid active region 23285; plus strand). Cytogenetic location: 5q31.3.
Variant type: single nucleotide variant.
Coding change: c.14C>A on transcript NM_002109.6 (MANE Select); coding-DNA position 14, C replaced by A.
Protein change: p.Ala5Glu; replaces alanine 5 with glutamic acid.
Molecular consequence: missense variant. On other transcripts: intron variant (1).
Genome position (GRCh38, 1-based): chr5:140,691,291, G>T on the plus strand (C>A on the coding strand, the complement: HARS1 is on the minus strand). VCF-style: chr5-140691291-G-T. GRCh37 (hg19) VCF-style: chr5-140070876-G-T.
Other names: p.Ala5Glu; c.14C>A, p.Ala5Glu (NM_001258040.3, NM_001258041.3, NM_001258042.3 and 2 more transcripts); c.3+11C>A (NM_001289094.2); short protein forms A5E.
Identifiers: ClinVar variation 472991 (VCV000472991.91), dbSNP rs78741041, ClinGen allele CA3444238.
Genomic context (GRCh38, chr5:140,691,291, plus strand): 5'-TTCTGCTGCTTGAGGCCTCGCACGCGCTCTCCCTGAAGTTTCACCAGCTCCTCCAGCGCC[G>T]CACGCTCTGCCATCCCGGCTGTCCACTTGAGCCGCCTGCTGTCTCGACCTGCGGTGGTTG-3'
Protein context (NP_002100.2, residues 1-15): MAER[Ala5Glu]ALEELVKLQG

ClinVar aggregate classification (germline): Conflicting classifications of pathogenicity. Review status: criteria provided, conflicting classifications (1 of 4 stars). 11 submissions from 11 submitters: Uncertain significance (1); Benign (5); Likely benign (3). 2 of the submissions do not count toward it. Last evaluated 2026-09-01.

Conditions:
Usher syndrome type 3B. Also called: USHER SYNDROME, TYPE IIIB. Identifiers: MedGen C3281066, MONDO:0013788, OMIM 614504.

Allele frequency attached by ClinVar (database versions not stated): 1000 Genomes Project 0.00439; 1000 Genomes Project 30x 0.00500; gnomAD exomes 0.00543 and 0.00779; gnomAD 0.00573 and 0.00588; ExAC 0.00590; TOPMed 0.00635; ESP Exome Variant Server 0.00754.
gnomAD v4.1: 12,161 of 1,605,400 alleles (0.76%); highest among the groups gnomAD compares: Non-Finnish European, 0.9%; 54 homozygotes.

Submissions (11):

CeGaT Center for Human Genetics Tuebingen
Classification: Likely benign. Last evaluated: 2026-09-01. Review status: criteria provided, single submitter. Criteria: CeGaT Center For Human Genetics Tuebingen Variant Classification Criteria Version 2. Collection method: clinical testing. Allele origin: germline. Affected: yes. Observed: 21 variant alleles.
Comment: HARS1: BS2

Labcorp Genetics (formerly Invitae), Labcorp
Classification: Benign for Usher syndrome type 3B. Last evaluated: 2026-01-26. Review status: criteria provided, single submitter. Criteria: Invitae Variant Classification Sherloc (09022015). Collection method: clinical testing. Allele origin: germline.

Blueprint Genetics
Classification: Likely benign. Last evaluated: 2024-11-19. Review status: criteria provided, single submitter. Criteria: ACMG Guidelines, 2015. Collection method: clinical testing. Allele origin: germline.

ARUP Laboratories, Molecular Genetics and Genomics, ARUP Laboratories
Classification: Benign. Last evaluated: 2023-09-11. Review status: criteria provided, single submitter. Criteria: ARUP Molecular Germline Variant Investigation Process 2024. Collection method: clinical testing. Allele origin: germline.

Institute for Clinical Genetics, University Hospital TU Dresden, University Hospital TU Dresden
Classification: Uncertain significance. Last evaluated: 2021-11-03. Review status: criteria provided, single submitter. Criteria: ACMG Guidelines, 2015. Collection method: clinical testing. Allele origin: germline.

Ambry Genetics
Classification: Likely benign. Last evaluated: 2021-02-02. Review status: criteria provided, single submitter. Criteria: Ambry Variant Classification Scheme 2023. Collection method: clinical testing. Allele origin: germline.

GeneDx
Classification: Benign. Last evaluated: 2018-06-07. Review status: criteria provided, single submitter. Criteria: GeneDx Variant Classification Process June 2021. Collection method: clinical testing. Allele origin: germline. Affected: yes.
Comment: This variant is associated with the following publications: (PMID: 22930593)

Mayo Clinic Laboratories, Mayo Clinic
Classification: Benign. Last evaluated: 2016-09-14. Review status: criteria provided, single submitter. Criteria: ACMG Guidelines, 2015. Collection method: clinical testing. Allele origin: germline. Observed: 46 variant alleles.

Clinical Genetics DNA and cytogenetics Diagnostics Lab, Erasmus MC, Erasmus Medical Center
Classification: Benign for Usher syndrome type 3B. Last evaluated: 2015-01-15. Review status: criteria provided, single submitter. Criteria: ACGS Guidelines, 2013. Collection method: clinical testing. Allele origin: germline. Affected: yes. Study: VKGL Data-share Consensus.

Clinical Genetics, Academic Medical Center
Classification: Benign. Review status: no assertion criteria provided. Collection method: clinical testing. Allele origin: germline. Affected: yes. Study: VKGL Data-share Consensus. Not counted in ClinVar's aggregate classification.

Laboratory of Diagnostic Genome Analysis, Leiden University Medical Center (LUMC)
Classification: Likely benign. Review status: no assertion criteria provided. Collection method: clinical testing. Allele origin: germline. Affected: yes. Study: VKGL Data-share Consensus. Not counted in ClinVar's aggregate classification.